The following is an entry in ClinVar:

NM_000059.4(BRCA2):c.7636_7645del (p.Ser2546fs)

Gene: BRCA2 (BRCA2 DNA repair associated; plus strand). Cytogenetic location: 13q13.1.
Variant type: Deletion.
Coding change: c.7636_7645del on transcript NM_000059.4 (MANE Select); coding-DNA positions 7636 to 7645, 10 bases deleted (TCTAAACATT; older notation c.7636_7645delTCTAAACATT).
Protein change: p.Ser2546fs; shifts the reading frame from serine 2546.
Molecular consequence: frameshift variant.
Genome position (GRCh38, 1-based): chr13:32,357,760-32,357,769, TCTAAACATT deleted; deleting any 10 consecutive bases within chr13:32,357,758-32,357,769 gives the same sequence; the c. name uses the placement nearest the transcript's 3' end. VCF-style (leftmost placement, unchanged base first): chr13-32357757-GTTTCTAAACA-G. GRCh37 (hg19) VCF-style: chr13-32931894-GTTTCTAAACA-G.
Other names: c.7636_7645delTCTAAACATT (NM_000059.3); short protein forms S2546fs.
Identifiers: ClinVar variation 52375 (VCV000052375.3), dbSNP rs397507927, ClinGen allele CA025203.
Genomic context (GRCh38, chr13:32,357,757, plus strand): 5'-TACTTTAAATTGTTTTTCTTTTTTGTGTGTGTTTATTTTGTGTAGCTGTATACGTATGGC[GTTTCTAAACA>G]TTGCATAAAAATTAACAGCAAAAATGCAGAGTCTTTTCAGTTTCACACTGAAGATTATTT-3'

ClinVar aggregate classification (germline): Pathogenic. Review status: reviewed by expert panel (3 of 4 stars). 2 submissions from 2 submitters: Pathogenic (1). 1 of the submissions does not count toward it. Last evaluated 2017-12-15.

Conditions:
Familial cancer of breast. Also called: BREAST CANCER, FAMILIAL; Hereditary breast cancer; hereditary breast carcinoma. Identifiers: Orphanet 227535, MedGen C0346153, MONDO:0016419, OMIM 114480. Disease mechanism: loss of function.
Breast-ovarian cancer, familial, susceptibility to, 2 (BROVCA2). Also called: BRCA2 Hereditary Breast and Ovarian Cancer. Identifiers: Orphanet 145, MedGen C2675520, MONDO:0012933, OMIM 612555. Disease mechanism: loss of function.

Submissions (2):

Evidence-based Network for the Interpretation of Germline Mutant Alleles (ENIGMA)
Classification: Pathogenic for Breast-ovarian cancer, familial, susceptibility to, 2. Last evaluated: 2017-12-15. Review status: reviewed by expert panel. Criteria: ENIGMA BRCA1/2 Classification Criteria (2017-06-29). Collection method: curation. Allele origin: germline. Study: ENIGMA.
Comment: Variant allele predicted to encode a truncated non-functional protein.

ClinVar Staff, National Center for Biotechnology Information (NCBI)
No classification provided. Condition: Familial cancer of breast. Review status: no classification provided. Collection method: literature only. Allele origin: germline. Affected: yes. Not counted in ClinVar's aggregate classification.

Literature cited by the submitters: PubMed 22762150 (cited by ClinVar Staff, National Center for Biotechnology Information (NCBI)).